The following is an entry in ClinVar:

ClinVar aggregate classification (germline): Uncertain significance. Review status: criteria provided, multiple submitters, no conflicts (2 of 4 stars). 3 submissions from 3 submitters: Uncertain significance (3). Last evaluated 2026-10-01.

Conditions:
Tumor predisposition syndrome 3 (TPDS3). Also called: LONG TELOMERE SYNDROME, POT1-RELATED; POT1 Tumor Predisposition; Melanoma, cutaneous malignant, susceptibility to, 10; Glioma susceptibility 9. Identifiers: Orphanet 618, MedGen C4014476, MONDO:0014368, OMIM 615848.
Hereditary cancer-predisposing syndrome. Also called: Hereditary neoplastic syndrome; Neoplastic Syndromes, Hereditary; Tumor predisposition; Hereditary Cancer Syndrome. Identifiers: Orphanet 140162, MedGen C0027672, MeSH D009386, MONDO:0015356.

Submissions (3):

St. Jude Molecular Pathology, St. Jude Children's Research Hospital
Classification: Uncertain significance for Tumor predisposition syndrome 3. Last evaluated: 2026-10-01. Review status: criteria provided, single submitter. Criteria: St. Jude Assertion Criteria 2020. Collection method: clinical testing. Allele origin: germline.
Comment: The POT1 c.806C>G p.(Thr269Ser) missense change is absent in gnomAD v2.1.1. The in silico tool REVEL is inconclusive about a pathogenic or benign effect of this variant on protein function, and to our knowledge functional studies have not been performed. To our knowledge, this variant has not been reported in the li terature in individuals with POT1-associated conditions. In summary, the evidence currently available is insufficient to determine the clinical significance of this variant. It has therefore been classified as of uncertain significance.

Ambry Genetics
Classification: Uncertain significance for Hereditary cancer-predisposing syndrome. Last evaluated: 2024-05-17. Review status: criteria provided, single submitter. Criteria: Ambry Variant Classification Scheme 2023. Collection method: clinical testing. Allele origin: germline.
Comment: The p.T269S variant (also known as c.806C>G), located in coding exon 6 of the POT1 gene, results from a C to G substitution at nucleotide position 806. The threonine at codon 269 is replaced by serine, an amino acid with similar properties. This amino acid position is conserved. In addition, this alteration is predicted to be tolerated by in silico analysis. Since supporting evidence is limited at this time, the clinical significance of this alteration remains unclear.

Labcorp Genetics (formerly Invitae), Labcorp
Classification: Uncertain significance for Tumor predisposition syndrome 3. Last evaluated: 2023-06-06. Review status: criteria provided, single submitter. Criteria: Invitae Variant Classification Sherloc (09022015). Collection method: clinical testing. Allele origin: germline.
Comment: This variant has not been reported in the literature in individuals affected with POT1-related conditions. This variant is not present in population databases (gnomAD no frequency). This sequence change replaces threonine, which is neutral and polar, with serine, which is neutral and polar, at codon 269 of the POT1 protein (p.Thr269Ser). ClinVar contains an entry for this variant (Variation ID: 1761864). In summary, the available evidence is currently insufficient to determine the role of this variant in disease. Therefore, it has been classified as a Variant of Uncertain Significance. Advanced modeling of protein sequence and biophysical properties (such as structural, functional, and spatial information, amino acid conservation, physicochemical variation, residue mobility, and thermodynamic stability) performed at Invitae indicates that this missense variant is not expected to disrupt POT1 protein function.

NM_015450.3(POT1):c.806C>G (p.Thr269Ser)

Gene: POT1 (protection of telomeres 1; minus strand). Cytogenetic location: 7q31.33.
Variant type: single nucleotide variant.
Coding change: c.806C>G on transcript NM_015450.3 (MANE Select); coding-DNA position 806, C replaced by G.
Protein change: p.Thr269Ser; replaces threonine 269 with serine.
Molecular consequence: missense variant. On other transcripts: non-coding transcript variant (3).
Genome position (GRCh38, 1-based): chr7:124,853,035, G>C on the plus strand (C>G on the coding strand, the complement: POT1 is on the minus strand). VCF-style: chr7-124853035-G-C. GRCh37 (hg19) VCF-style: chr7-124493089-G-C.
Other names: c.413C>G, p.Thr138Ser (NM_001042594.2); short protein forms T138S, T269S.
Identifiers: ClinVar variation 1761864 (VCV001761864.9), dbSNP rs932030885, ClinGen allele CA166065188.
Genomic context (GRCh38, chr7:124,853,035, plus strand): 5'-TTCAGTTGATCCACATCAGAGTTACTTTCTGGCAAGACCCTGATTCCCCGACCGTAACTG[G>C]TACCTCCATGAAGATGAAACTCTAAACTTAACATTGTCTGATTCTCTGAATTCATTGATT-3'
Protein context (NP_056265.2, residues 259-279): LSLEFHLHGG[Thr269Ser]SYGRGIRVLP